The following is an entry in ClinVar:

ClinVar aggregate classification (germline): Uncertain significance (1 of 4 stars; one submission).

Conditions:
Peutz-Jeghers syndrome (PJS). Also called: POLYPOSIS, HAMARTOMATOUS INTESTINAL; POLYPS-AND-SPOTS SYNDROME; Peutz-Jeghers polyposis; Periorificial lentiginosis syndrome. Identifiers: Orphanet 2869, MedGen C0031269, MeSH D010580, MONDO:0008280, OMIM 175200.

Submission:

Labcorp Genetics (formerly Invitae), Labcorp
Classification: Uncertain significance for Peutz-Jeghers syndrome. Last evaluated: 2025-11-10. Review status: criteria provided, single submitter. Criteria: Invitae Variant Classification Sherloc (09022015). Collection method: clinical testing. Allele origin: germline.
Comment: This sequence change replaces glutamine, which is neutral and polar, with glutamic acid, which is acidic and polar, at codon 305 of the STK11 protein (p.Gln305Glu). This variant is not present in population databases (gnomAD no frequency). This variant has not been reported in the literature in individuals affected with STK11-related conditions. ClinVar contains an entry for this variant (Variation ID: 2720469). Invitae Evidence Modeling of protein sequence and biophysical properties (such as structural, functional, and spatial information, amino acid conservation, physicochemical variation, residue mobility, and thermodynamic stability) indicates that this missense variant is not expected to disrupt STK11 protein function with a negative predictive value of 95%. In summary, the available evidence is currently insufficient to determine the role of this variant in disease. Therefore, it has been classified as a Variant of Uncertain Significance.

NM_000455.5(STK11):c.913C>G (p.Gln305Glu)

Gene: STK11 (serine/threonine kinase 11; plus strand). Cytogenetic location: 19p13.3.
Variant type: single nucleotide variant.
Coding change: c.913C>G on transcript NM_000455.5 (MANE Select); coding-DNA position 913, C replaced by G.
Protein change: p.Gln305Glu; replaces glutamine 305 with glutamic acid.
Molecular consequence: missense variant. On other transcripts: non-coding transcript variant (1).
Genome position (GRCh38, 1-based): chr19:1,221,999, C>G. VCF-style: chr19-1221999-C-G. GRCh37 (hg19) VCF-style: chr19-1221998-C-G.
Other names: c.913C>G, p.Gln305Glu (NM_001407255.1); short protein forms Q305E.
Identifiers: ClinVar variation 2720469 (VCV002720469.3), dbSNP rs1131690945, ClinGen allele CA402951314.
Genomic context (GRCh38, chr19:1,221,999, plus strand): 5'-TTCTCCTCAGGGATGCTTGAGTACGAACCGGCCAAGAGGTTCTCCATCCGGCAGATCCGG[C>G]AGCACAGGTGAGCGGCCCCTGGGGGCAGTGGGGCCGAGGCTGCAGGGAGGCCGGCCATGT-3'
Protein context (NP_000446.1, residues 295-315): AKRFSIRQIR[Gln305Glu]HSWFRKKHPP